The following is an entry in ClinVar:

ClinVar aggregate classification (germline): Uncertain significance (1 of 4 stars; one submission).

Submission:

Labcorp Genetics (formerly Invitae), Labcorp
Classification: Uncertain significance. Last evaluated: 2022-10-09. Review status: criteria provided, single submitter. Criteria: Invitae Variant Classification Sherloc (09022015). Collection method: clinical testing. Allele origin: germline.
Comment: In summary, the available evidence is currently insufficient to determine the role of this variant in disease. Therefore, it has been classified as a Variant of Uncertain Significance. Experimental studies and prediction algorithms are not available or were not evaluated, and the functional significance of this variant is currently unknown. This variant has not been reported in the literature in individuals affected with RFWD3-related conditions. This variant is present in population databases (rs750762455, gnomAD 0.003%). This variant, c.1162_1164del, results in the deletion of 1 amino acid(s) of the RFWD3 protein (p.Asp388del), but otherwise preserves the integrity of the reading frame.

NM_018124.4(RFWD3):c.1162_1164del (p.Asp388del)

Gene: RFWD3 (ring finger and WD repeat domain 3; minus strand). Cytogenetic location: 16q23.1.
Variant type: Deletion.
Coding change: c.1162_1164del on transcript NM_018124.4 (MANE Select); coding-DNA positions 1162 to 1164, 3 bases deleted (GAT; older notation c.1162_1164delGAT).
Protein change: p.Asp388del; deletes aspartic acid 388.
Molecular consequence: inframe deletion. On other transcripts: inframe indel (1).
Genome position (GRCh38, 1-based): chr16:74,637,886-74,637,888, ATC deleted on the plus strand (GAT on the coding strand, the reverse complement: RFWD3 is on the minus strand); deleting any 3 consecutive bases within chr16:74,637,886-74,637,889 gives the same sequence; the c. name uses the placement nearest the transcript's 3' end. VCF-style (leftmost placement, unchanged base first): chr16-74637885-TATC-T. GRCh37 (hg19) VCF-style: chr16-74671783-TATC-T.
Other names: c.1162_1164del, p.Asp388del (NM_001370534.1, NM_001370535.1, NM_001370536.1); c.328_330del, p.Asp110del (NM_001370537.1, NM_001370539.1, NM_001370540.1 and 2 more transcripts); c.327_329delTGA, p.Asp110del (NM_001370541.1); short protein forms D110del, D388del.
Identifiers: ClinVar variation 2415995 (VCV002415995.5), dbSNP rs750762455, ClinGen allele CA8169300.